The following is an entry in ClinVar:

ClinVar aggregate classification (germline): Uncertain significance (1 of 4 stars; one submission).

gnomAD v4.1: 1 of 1,612,726 alleles (0.000062%); highest among the groups gnomAD compares: African/African-American, 0.0013%; no homozygotes.

Submission:

GeneDx
Classification: Uncertain significance. Last evaluated: 2023-08-25. Review status: criteria provided, single submitter. Criteria: GeneDx Variant Classification Process June 2021. Collection method: clinical testing. Allele origin: germline.
Comment: Not observed at significant frequency in large population cohorts (gnomAD); In silico analysis supports that this missense variant does not alter protein structure/function; Has not been previously published as pathogenic or benign to our knowledge

NM_006852.6(TLK2):c.353A>G (p.Asn118Ser)

Gene: TLK2 (tousled like kinase 2; plus strand). Cytogenetic location: 17q23.2.
Variant type: single nucleotide variant.
Coding change: c.353A>G on transcript NM_006852.6 (MANE Select); coding-DNA position 353, A replaced by G.
Protein change: p.Asn118Ser; replaces asparagine 118 with serine.
Molecular consequence: missense variant. On other transcripts: intron variant (6).
Genome position (GRCh38, 1-based): chr17:62,524,321, A>G. VCF-style: chr17-62524321-A-G. GRCh37 (hg19) VCF-style: chr17-60601682-A-G.
Other names: c.353A>G, p.Asn118Ser (NM_001284333.3, NM_001375270.1, NM_001375271.1); c.-85+1144A>G (NM_001375273.1, NM_001330418.3); c.267+1144A>G (NM_001375272.1, NM_001411074.1, NM_001284363.1); c.405+1144A>G (NM_001375269.1); short protein forms N118S.
Identifiers: ClinVar variation 2504672 (VCV002504672.2), dbSNP rs2545136598, ClinGen allele CA400516088.